The following is an entry in ClinVar:

NM_000719.7(CACNA1C):c.5292C>T (p.Asn1764=)

Genes: CACNA1C (calcium voltage-gated channel subunit alpha1 C; plus strand), CACNA1C-AS1 (CACNA1C antisense RNA 1; minus strand). Cytogenetic location: 12p13.33.
Variant type: single nucleotide variant.
Coding change: c.5292C>T on transcript NM_000719.7 (MANE Select); coding-DNA position 5292, C replaced by T.
Protein change: p.Asn1764=; no amino-acid change (asparagine 1764 retained).
Molecular consequence: synonymous variant.
Genome position (GRCh38, 1-based): chr12:2,679,644, C>T. VCF-style: chr12-2679644-C-T. GRCh37 (hg19) VCF-style: chr12-2788810-C-T.
Other names: p.N1764N:AAC>AAT; p.Asn1764=; c.5436C>T, p.Asn1812= (NM_001129827.2, NM_199460.4); c.5415C>T, p.Asn1805= (NM_001129829.2); c.5292C>T, p.Asn1764= (NM_001129830.3, NM_001129840.2, NM_001129841.2 and 4 more transcripts); c.5376C>T, p.Asn1792= (NM_001129831.2); c.5352C>T, p.Asn1784= (NM_001129832.2); c.5349C>T, p.Asn1783= (NM_001129833.2, NM_001129834.2, NM_001129835.2); and 5 more.
Identifiers: ClinVar variation 136633 (VCV000136633.36), dbSNP rs72552065, ClinGen allele CA295591.

ClinVar aggregate classification (germline): Benign/Likely benign. Review status: criteria provided, multiple submitters, no conflicts (2 of 4 stars). 9 submissions from 9 submitters: Benign (8); Likely benign (1). Last evaluated 2026-02-04.

Conditions:
Cardiovascular phenotype. Identifiers: MedGen CN230736.
Long QT syndrome (LQTS). Identifiers: MedGen C0023976, MeSH D008133, MONDO:0002442. Disease mechanism: loss of function. Inheritance: Various modes of inheritance.

Allele frequency attached by ClinVar (database versions not stated): gnomAD 0.04512 and 0.04378; ExAC 0.04543; 1000 Genomes Project 0.01937; 1000 Genomes Project 30x 0.01983; TOPMed 0.04296; ESP Exome Variant Server 0.04446; gnomAD exomes 0.04489.
gnomAD v4.1: 89,824 of 1,613,704 alleles (5.6%); highest among the groups gnomAD compares: Non-Finnish European, 6.4%; 2,891 homozygotes.

Submissions (9):

Labcorp Genetics (formerly Invitae), Labcorp
Classification: Benign for Long QT syndrome. Last evaluated: 2026-02-04. Review status: criteria provided, single submitter. Criteria: Invitae Variant Classification Sherloc (09022015). Collection method: clinical testing. Allele origin: germline.

ARUP Laboratories, Molecular Genetics and Genomics, ARUP Laboratories
Classification: Benign. Last evaluated: 2025-07-22. Review status: criteria provided, single submitter. Criteria: ARUP Molecular Germline Variant Investigation Process 2024. Collection method: clinical testing. Allele origin: germline.

Blueprint Genetics
Classification: Likely benign. Last evaluated: 2024-11-27. Review status: criteria provided, single submitter. Criteria: ACMG Guidelines, 2015. Collection method: clinical testing. Allele origin: germline.

Mayo Clinic Laboratories, Mayo Clinic
Classification: Benign. Last evaluated: 2015-08-24. Review status: criteria provided, single submitter. Criteria: ACMG Guidelines, 2015. Collection method: clinical testing. Allele origin: germline. Observed: 116 variant alleles.

Ambry Genetics
Classification: Benign for Cardiovascular phenotype. Last evaluated: 2015-07-17. Review status: criteria provided, single submitter. Criteria: Ambry Variant Classification Scheme 2023. Collection method: clinical testing. Allele origin: germline.

Eurofins Ntd Llc (ga)
Classification: Benign. Last evaluated: 2013-12-16. Review status: criteria provided, single submitter. Criteria: EGL Classification Definitions 2015. Collection method: clinical testing. Allele origin: germline. Observed: 2 variant alleles, 2 heterozygotes.

GeneDx
Classification: Benign. Last evaluated: 2011-07-10. Review status: criteria provided, single submitter. Criteria: GeneDx Variant Classification (06012015). Collection method: clinical testing. Allele origin: germline. Affected: yes.
Comment: This variant is considered likely benign or benign based on one or more of the following criteria: it is a conservative change, it occurs at a poorly conserved position in the protein, it is predicted to be benign by multiple in silico algorithms, and/or has population frequency not consistent with disease.

Breakthrough Genomics
Classification: Benign. Review status: criteria provided, single submitter. Criteria: ACMG Guidelines, 2015. Collection method: not provided. Allele origin: germline. Inheritance: Autosomal dominant inheritance. Affected: yes.

PreventionGenetics, part of Exact Sciences
Classification: Benign. Review status: criteria provided, single submitter. Criteria: ACMG Guidelines, 2015. Collection method: clinical testing. Allele origin: germline.